The following is an entry in ClinVar:

ClinVar aggregate classification (germline): Uncertain significance (1 of 4 stars; one submission).

Conditions:
LMBRD2-related disorder.

Submission:

PreventionGenetics, part of Exact Sciences
Classification: Uncertain significance for LMBRD2-related condition. Last evaluated: 2024-10-16. Review status: criteria provided, single submitter. Criteria: ACMG Guidelines, 2015. Collection method: clinical testing. Allele origin: germline.
Comment: The LMBRD2 c.1676A>G variant is predicted to result in the amino acid substitution p.Gln559Arg. To our knowledge, this variant has not been reported in the literature or in a large population database (gnomAD), indicating this variant is rare. At this time, the clinical significance of this variant is uncertain due to the absence of conclusive functional and genetic evidence.

NM_001007527.2(LMBRD2):c.1676A>G (p.Gln559Arg)

Gene: LMBRD2 (LMBR1 domain containing 2; minus strand). Cytogenetic location: 5p13.2.
Variant type: single nucleotide variant.
Coding change: c.1676A>G on transcript NM_001007527.2 (MANE Select); coding-DNA position 1676, A replaced by G.
Protein change: p.Gln559Arg; replaces glutamine 559 with arginine.
Molecular consequence: missense variant.
Genome position (GRCh38, 1-based): chr5:36,111,223, T>C on the plus strand (A>G on the coding strand, the complement: LMBRD2 is on the minus strand). VCF-style: chr5-36111223-T-C. GRCh37 (hg19) VCF-style: chr5-36111325-T-C.
Other names: short protein forms Q559R.
Identifiers: ClinVar variation 5000791 (VCV005000791.1).
Genomic context (GRCh38, chr5:36,111,223, plus strand): 5'-ATTAATTCTTTTCCTTCATTAACTAAGTCTGATGTCATATCATCATCTCCCATAAACTGC[T>C]GGAAACCGAGCAGATTCAAACAACGGGTTCCCAAACTAATAAAAGCAGATTTTTTAAAAA-3'
Protein context (NP_001007528.1, residues 549-569): GTRCLNLLGF[Gln559Arg]QFMGDDDMTS